The following is an entry in ClinVar:

NM_020066.5(FMN2):c.3504A>T (p.Leu1168=)

Gene: FMN2 (formin 2; plus strand). Cytogenetic location: 1q43.
Variant type: single nucleotide variant.
Coding change: c.3504A>T on transcript NM_020066.5 (MANE Select); coding-DNA position 3504, A replaced by T.
Protein change: p.Leu1168=; no amino-acid change (leucine 1168 retained).
Molecular consequence: synonymous variant. On other transcripts: intron variant (1).
Genome position (GRCh38, 1-based): chr1:240,208,316, A>T. VCF-style: chr1-240208316-A-T. GRCh37 (hg19) VCF-style: chr1-240371616-A-T.
Other names: c.3516A>T, p.Leu1172= (NM_001305424.2); c.1986+20054A>T (NM_001348094.2); c.3504A>T (NM_020066.4).
Identifiers: ClinVar variation 2640199 (VCV002640199.25), dbSNP rs768752561, ClinGen allele CA1477212.

ClinVar aggregate classification (germline): Likely benign. Review status: criteria provided, single submitter (1 of 4 stars). 2 submissions from 2 submitters: Likely benign (1). 1 of the submissions does not count toward it. Last evaluated 2026-07-01.

Conditions:
FMN2-related disorder. Also called: FMN2-related condition.

Allele frequency attached by ClinVar (database versions not stated): ExAC 0.00003; gnomAD 0.00114.

Submissions (2):

CeGaT Center for Human Genetics Tuebingen
Classification: Likely benign. Last evaluated: 2026-07-01. Review status: criteria provided, single submitter. Criteria: CeGaT Center For Human Genetics Tuebingen Variant Classification Criteria Version 2. Collection method: clinical testing. Allele origin: germline. Affected: yes. Observed: 8 variant alleles.
Comment: FMN2: BP4, BP7

PreventionGenetics, part of Exact Sciences
Classification: Likely benign for FMN2-related condition. Last evaluated: 2020-10-27. Review status: no assertion criteria provided. Collection method: clinical testing. Allele origin: germline. Not counted in ClinVar's aggregate classification.
Comment: This variant is classified as likely benign based on ACMG/AMP sequence variant interpretation guidelines (Richards et al. 2015 PMID: 25741868, with internal and published modifications).